The following is an entry in ClinVar:

ClinVar aggregate classification (germline): Uncertain significance (1 of 4 stars; one submission).

Conditions:
OTOG-related disorder. Also called: OTOG-related condition.

Submission:

PreventionGenetics, part of Exact Sciences
Classification: Uncertain significance for OTOG-related condition. Last evaluated: 2026-04-19. Review status: criteria provided, single submitter. Criteria: ACMG Guidelines, 2015. Collection method: clinical testing. Allele origin: germline.
Comment: The OTOG c.2679C>G variant is predicted to result in the amino acid substitution p.Cys893Trp. To our knowledge, this variant has not been reported in the literature or in a large population database (gnomAD), indicating this variant is rare. At this time, the clinical significance of this variant is uncertain due to the absence of conclusive functional and genetic evidence.

NM_001292063.2(OTOG):c.2643C>G (p.Cys881Trp)

Gene: OTOG (otogelin; plus strand). Cytogenetic location: 11p15.1.
Variant type: single nucleotide variant.
Coding change: c.2643C>G on transcript NM_001292063.2 (MANE Select); coding-DNA position 2643, C replaced by G.
Protein change: p.Cys881Trp; replaces cysteine 881 with tryptophan.
Molecular consequence: missense variant.
Genome position (GRCh38, 1-based): chr11:17,578,410, C>G. VCF-style: chr11-17578410-C-G. GRCh37 (hg19) VCF-style: chr11-17599957-C-G.
Other names: c.2679C>G, p.Cys893Trp (NM_001277269.2); short protein forms C881W, C893W.
Identifiers: ClinVar variation 4994254 (VCV004994254.1).